The following is an entry in ClinVar:

ClinVar aggregate classification (germline): Conflicting classifications of pathogenicity. Review status: criteria provided, conflicting classifications (1 of 4 stars). 2 submissions from 2 submitters: Uncertain significance (1); Likely benign (1). Last evaluated 2026-05-26.

Conditions:
Hereditary cancer-predisposing syndrome. Also called: Tumor predisposition; Hereditary neoplastic syndrome; Neoplastic Syndromes, Hereditary; Hereditary Cancer Syndrome. Identifiers: Orphanet 140162, MedGen C0027672, MeSH D009386, MONDO:0015356.
Hereditary diffuse gastric adenocarcinoma (HDGC). Also called: DIFFUSE GASTRIC AND LOBULAR BREAST CANCER SYNDROME. Identifiers: Orphanet 26106, MedGen C1708349, MONDO:0007648, OMIM 137215.

Allele frequency attached by ClinVar (database versions not stated): TOPMed below 0.00001.

Submissions (2):

Ambry Genetics
Classification: Likely benign for Hereditary cancer-predisposing syndrome. Last evaluated: 2026-05-26. Review status: criteria provided, single submitter. Criteria: Ambry Variant Classification Scheme 2023. Collection method: clinical testing. Allele origin: germline.

Labcorp Genetics (formerly Invitae), Labcorp
Classification: Uncertain significance for Hereditary diffuse gastric adenocarcinoma. Last evaluated: 2025-06-01. Review status: criteria provided, single submitter. Criteria: Invitae Variant Classification Sherloc (09022015). Collection method: clinical testing. Allele origin: germline.
Comment: This sequence change replaces serine, which is neutral and polar, with alanine, which is neutral and non-polar, at codon 9 of the CDH1 protein (p.Ser9Ala). This variant is not present in population databases (gnomAD no frequency). This variant has not been reported in the literature in individuals affected with CDH1-related conditions. ClinVar contains an entry for this variant (Variation ID: 532470). An algorithm developed to predict the effect of missense changes on protein structure and function (PolyPhen-2) suggests that this variant is likely to be tolerated. In summary, the available evidence is currently insufficient to determine the role of this variant in disease. Therefore, it has been classified as a Variant of Uncertain Significance.

NM_004360.5(CDH1):c.25T>G (p.Ser9Ala)

Gene: CDH1 (cadherin 1; plus strand). Cytogenetic location: 16q22.1.
Variant type: single nucleotide variant.
Coding change: c.25T>G on transcript NM_004360.5 (MANE Select); coding-DNA position 25, T replaced by G.
Protein change: p.Ser9Ala; replaces serine 9 with alanine.
Molecular consequence: missense variant. On other transcripts: 5 prime UTR variant (2).
Genome position (GRCh38, 1-based): chr16:68,737,440, T>G. VCF-style: chr16-68737440-T-G. GRCh37 (hg19) VCF-style: chr16-68771343-T-G.
Other names: c.25T>G (LRG_301t1); c.25T>G, p.Ser9Ala (NM_001317184.2); c.-1591T>G (NM_001317185.2); c.-1795T>G (NM_001317186.2); short protein forms S9A.
Identifiers: ClinVar variation 532470 (VCV000532470.12), dbSNP rs1555509645, ClinGen allele CA396451336.